The following is an entry in ClinVar:

NM_001077653.2(TBX20):c.670A>T (p.Met224Leu)

Gene: TBX20 (T-box transcription factor 20; minus strand). Cytogenetic location: 7p14.2.
Variant type: single nucleotide variant.
Coding change: c.670A>T on transcript NM_001077653.2 (MANE Select); coding-DNA position 670, A replaced by T.
Protein change: p.Met224Leu; replaces methionine 224 with leucine.
Molecular consequence: missense variant.
Genome position (GRCh38, 1-based): chr7:35,241,022, T>A on the plus strand (A>T on the coding strand, the complement: TBX20 is on the minus strand). VCF-style: chr7-35241022-T-A. GRCh37 (hg19) VCF-style: chr7-35280634-T-A.
Other names: c.670A>T, p.Met224Leu (NM_001166220.1); short protein forms M224L.
Identifiers: ClinVar variation 2145748 (VCV002145748.4), dbSNP rs2128714672, ClinGen allele CA367264207.

ClinVar aggregate classification (germline): Uncertain significance (1 of 4 stars; one submission).

Submission:

Labcorp Genetics (formerly Invitae), Labcorp
Classification: Uncertain significance. Last evaluated: 2024-01-15. Review status: criteria provided, single submitter. Criteria: Invitae Variant Classification Sherloc (09022015). Collection method: clinical testing. Allele origin: germline.
Comment: This sequence change replaces methionine, which is neutral and non-polar, with leucine, which is neutral and non-polar, at codon 224 of the TBX20 protein (p.Met224Leu). This variant is not present in population databases (gnomAD no frequency). This variant has not been reported in the literature in individuals affected with TBX20-related conditions. ClinVar contains an entry for this variant (Variation ID: 2145748). Advanced modeling of protein sequence and biophysical properties (such as structural, functional, and spatial information, amino acid conservation, physicochemical variation, residue mobility, and thermodynamic stability) performed at Invitae indicates that this missense variant is not expected to disrupt TBX20 protein function with a negative predictive value of 80%. In summary, the available evidence is currently insufficient to determine the role of this variant in disease. Therefore, it has been classified as a Variant of Uncertain Significance.